The following is an entry in ClinVar:

NM_133638.6(ADAMTS19):c.1076T>A (p.Ile359Asn)

Gene: ADAMTS19 (ADAM metallopeptidase with thrombospondin type 1 motif 19; plus strand). Cytogenetic location: 5q23.3.
Variant type: single nucleotide variant.
Coding change: c.1076T>A on transcript NM_133638.6 (MANE Select); coding-DNA position 1076, T replaced by A.
Protein change: p.Ile359Asn; replaces isoleucine 359 with asparagine.
Molecular consequence: missense variant.
Genome position (GRCh38, 1-based): chr5:129,526,446, T>A. VCF-style: chr5-129526446-T-A. GRCh37 (hg19) VCF-style: chr5-128862139-T-A.
Other names: c.1058T>A (NM_133638.3); short protein forms I359N.
Identifiers: ClinVar variation 3032728 (VCV003032728.3), dbSNP rs753954176, ClinGen allele CA3397321.

ClinVar aggregate classification (germline): Uncertain significance. Review status: criteria provided, single submitter (1 of 4 stars). 2 submissions from 2 submitters: Uncertain significance (1). 1 of the submissions does not count toward it. Last evaluated 2023-09-22.

Conditions:
Inborn genetic diseases. Identifiers: MedGen C0950123, MeSH D030342.
ADAMTS19-related disorder. Also called: ADAMTS19-related condition.

Allele frequency attached by ClinVar (database versions not stated): gnomAD exomes 0.00003; gnomAD 0.00007; TOPMed 0.00009; ExAC 0.00018.
gnomAD v4.1: 63 of 1,591,700 alleles (0.004%); highest among the groups gnomAD compares: East Asian, 0.14%; no homozygotes.

Submissions (2):

Ambry Genetics
Classification: Uncertain significance for Inborn genetic diseases. Last evaluated: 2023-09-22. Review status: criteria provided, single submitter. Criteria: Ambry Variant Classification Scheme 2023. Collection method: clinical testing. Allele origin: germline.

PreventionGenetics, part of Exact Sciences
Classification: Likely benign for ADAMTS19-related condition. Last evaluated: 2023-06-08. Review status: no assertion criteria provided. Collection method: clinical testing. Allele origin: germline. Not counted in ClinVar's aggregate classification.
Comment: This variant is classified as likely benign based on ACMG/AMP sequence variant interpretation guidelines (Richards et al. 2015 PMID: 25741868, with internal and published modifications).